The following is an entry in ClinVar:

NM_020066.5(FMN2):c.708C>A (p.Pro236=)

Gene: FMN2 (formin 2; plus strand). Cytogenetic location: 1q43.
Variant type: single nucleotide variant.
Coding change: c.708C>A on transcript NM_020066.5 (MANE Select); coding-DNA position 708, C replaced by A.
Protein change: p.Pro236=; no amino-acid change (proline 236 retained).
Molecular consequence: synonymous variant.
Genome position (GRCh38, 1-based): chr1:240,092,817, C>A. VCF-style: chr1-240092817-C-A. GRCh37 (hg19) VCF-style: chr1-240256117-C-A.
Other names: c.708C>A, p.Pro236= (NM_001305424.2, NM_001348094.2).
Identifiers: ClinVar variation 4948467 (VCV004948467.2).
Genomic context (GRCh38, chr1:240,092,817, plus strand): 5'-GCTCCAGCAACAGCAGCAGCAGCAGCAGCTCCAGGGCGCCGAGGAGCCTGCAGCGCCCCC[C>A]ACTGCCGTCTCCCCTCAGCCCGGGGCCTTCCTGGGCCTGGACCGGTTCCTGCTGGGGCCG-3'
Protein context (NP_064450.3, residues 226-246): LQGAEEPAAP[Pro236=]TAVSPQPGAF

ClinVar aggregate classification (germline): Likely benign. Review status: criteria provided, multiple submitters, no conflicts (2 of 4 stars). 2 submissions from 2 submitters: Likely benign (2). Last evaluated 2026-07-01.

gnomAD v4.1: 31 of 1,576,108 alleles (0.002%); highest among the groups gnomAD compares: Middle Eastern, 0.057%; 1 homozygote.

Submissions (2):

CeGaT Center for Human Genetics Tuebingen
Classification: Likely benign. Last evaluated: 2026-07-01. Review status: criteria provided, single submitter. Criteria: CeGaT Center For Human Genetics Tuebingen Variant Classification Criteria Version 2. Collection method: clinical testing. Allele origin: germline. Affected: yes. Observed: 1 variant allele.
Comment: FMN2: BP4, BP7

Blueprint Genetics
Classification: Likely benign. Last evaluated: 2024-07-30. Review status: criteria provided, single submitter. Criteria: ACMG Guidelines, 2015. Collection method: clinical testing. Allele origin: germline.